The following is an entry in ClinVar:

ClinVar aggregate classification (germline): Pathogenic (1 of 4 stars; one submission).

gnomAD v4.1: 2 of 1,593,938 alleles (0.00013%); highest among the groups gnomAD compares: Non-Finnish European, 0.00017%; no homozygotes.

Submission:

Labcorp Genetics (formerly Invitae), Labcorp
Classification: Pathogenic. Last evaluated: 2024-08-10. Review status: criteria provided, single submitter. Criteria: Invitae Variant Classification Sherloc (09022015). Collection method: clinical testing. Allele origin: germline.
Comment: This sequence change creates a premature translational stop signal (p.Tyr805*) in the MPDZ gene. It is expected to result in an absent or disrupted protein product. Loss-of-function variants in MPDZ are known to be pathogenic (PMID: 23240096, 28556411). This variant is not present in population databases (gnomAD no frequency). This variant has not been reported in the literature in individuals affected with MPDZ-related conditions. Algorithms developed to predict the effect of sequence changes on RNA splicing suggest that this variant may disrupt the consensus splice site. For these reasons, this variant has been classified as Pathogenic.

Literature cited by the submitters: PubMed 23240096; PubMed 28556411.

NM_001378778.1(MPDZ):c.2415C>A (p.Tyr805Ter)

Gene: MPDZ (multiple PDZ domain crumbs cell polarity complex component; minus strand). Cytogenetic location: 9p23.
Variant type: single nucleotide variant.
Coding change: c.2415C>A on transcript NM_001378778.1 (MANE Select); coding-DNA position 2415, C replaced by A.
Protein change: p.Tyr805Ter; replaces tyrosine 805 with a stop codon.
Molecular consequence: nonsense.
Genome position (GRCh38, 1-based): chr9:13,186,336, G>T on the plus strand (C>A on the coding strand, the complement: MPDZ is on the minus strand). VCF-style: chr9-13186336-G-T. GRCh37 (hg19) VCF-style: chr9-13186335-G-T.
Other names: c.2415C>A, p.Tyr805Ter (NM_001261406.2, NM_001261407.2, NM_001330637.2 and 14 more transcripts); short protein forms Y805*.
Identifiers: ClinVar variation 3609980 (VCV003609980.2).